The following is an entry in ClinVar:

ClinVar aggregate classification (germline): Uncertain significance. Review status: criteria provided, multiple submitters, no conflicts (2 of 4 stars). 5 submissions from 5 submitters: Uncertain significance (5). Last evaluated 2025-12-08.

Conditions:
Cardiovascular phenotype. Identifiers: MedGen CN230736.
Desmin-related myofibrillar myopathy (MFM1). Also called: Desminopathy; MYOFIBRILLAR MYOPATHY WITH ARRHYTHMOGENIC RIGHT VENTRICULAR CARDIOMYOPATHY; DESMIN-RELATED MYOPATHY WITH ARRHYTHMOGENIC RIGHT VENTRICULAR CARDIOMYOPATHY; Desmin related myopathy (former name); Desmin storage myopathy (former name); Myofibrillar myopathy 1. Identifiers: Orphanet 363543, Orphanet 98909, MedGen C1832370, MONDO:0011076, OMIM 601419.
Dilated cardiomyopathy 1I (CMD1I). Identifiers: Orphanet 154, MedGen C1858154, MONDO:0011482, OMIM 604765.
Neurogenic scapuloperoneal syndrome, Kaeser type (SCPNK). Also called: KAESER SYNDROME. Identifiers: Orphanet 85146, MedGen C1867005, MONDO:0008407, OMIM 181400.
Arrhythmogenic right ventricular cardiomyopathy (ARVD). Also called: Arrhythmogenic Right Ventricular Cardiomyopathy (ARVC); Cardiomyopathy, ARVC; Arrhythmogenic cardiomyopathy; Arrhythmogenic right ventricular dysplasia. Identifiers: Orphanet 247, MedGen C0349788, MeSH D019571, MONDO:0016587. Disease mechanism: loss of function. Inheritance: Various modes of inheritance.

Allele frequency attached by ClinVar (database versions not stated): gnomAD 0.00001; ExAC 0.00002; gnomAD exomes 0.00002.
gnomAD v4.1: 17 of 1,613,844 alleles (0.0011%); highest among the groups gnomAD compares: East Asian, 0.0022%; no homozygotes.

Submissions (5):

Labcorp Genetics (formerly Invitae), Labcorp
Classification: Uncertain significance for Desmin-related myofibrillar myopathy. Last evaluated: 2025-12-08. Review status: criteria provided, single submitter. Criteria: Invitae Variant Classification Sherloc (09022015). Collection method: clinical testing. Allele origin: germline.
Comment: This sequence change replaces alanine, which is neutral and non-polar, with threonine, which is neutral and polar, at codon 273 of the DES protein (p.Ala273Thr). This variant is present in population databases (rs770258461, gnomAD 0.01%). This variant has not been reported in the literature in individuals affected with DES-related conditions. ClinVar contains an entry for this variant (Variation ID: 851152). Invitae Evidence Modeling of protein sequence and biophysical properties (such as structural, functional, and spatial information, amino acid conservation, physicochemical variation, residue mobility, and thermodynamic stability) has been performed for this missense variant. However, the output from this modeling did not meet the statistical confidence thresholds required to predict the impact of this variant on DES protein function. In summary, the available evidence is currently insufficient to determine the role of this variant in disease. Therefore, it has been classified as a Variant of Uncertain Significance.

Ambry Genetics
Classification: Uncertain significance for Cardiovascular phenotype. Last evaluated: 2025-09-03. Review status: criteria provided, single submitter. Criteria: Ambry Variant Classification Scheme 2023. Collection method: clinical testing. Allele origin: germline.
Comment: The p.A273T variant (also known as c.817G>A), located in coding exon 4 of the DES gene, results from a G to A substitution at nucleotide position 817. The alanine at codon 273 is replaced by threonine, an amino acid with similar properties. This amino acid position is highly conserved in available vertebrate species. In addition, this alteration is predicted to be deleterious by in silico analysis. Based on the available evidence, the clinical significance of this variant remains unclear.

Blueprint Genetics
Classification: Uncertain significance. Last evaluated: 2022-05-02. Review status: criteria provided, single submitter. Criteria: ACMG Guidelines, 2015. Collection method: clinical testing. Allele origin: germline.

Fulgent Genetics
Classification: Uncertain significance for Neurogenic scapuloperoneal syndrome, Kaeser type; Desmin-related myofibrillar myopathy; Dilated cardiomyopathy 1I. Last evaluated: 2022-04-14. Review status: criteria provided, single submitter. Criteria: ACMG Guidelines, 2015. Collection method: clinical testing. Allele origin: unknown.

Department of Pathology and Laboratory Medicine, Sinai Health System
Classification: Uncertain significance for arrhythmogenic right ventricular cardiomyopathy. Last evaluated: 2021-09-28. Review status: criteria provided, single submitter. Criteria: ACMG Guidelines, 2015. Collection method: research. Allele origin: germline.

NM_001927.4(DES):c.817G>A (p.Ala273Thr)

Gene: DES (desmin; plus strand). Cytogenetic location: 2q35.
Variant type: single nucleotide variant.
Coding change: c.817G>A on transcript NM_001927.4 (MANE Select); coding-DNA position 817, G replaced by A.
Protein change: p.Ala273Thr; replaces alanine 273 with threonine.
Molecular consequence: missense variant.
Genome position (GRCh38, 1-based): chr2:219,420,576, G>A. VCF-style: chr2-219420576-G-A. GRCh37 (hg19) VCF-style: chr2-220285298-G-A.
Other names: short protein forms A273T.
Identifiers: ClinVar variation 851152 (VCV000851152.15), dbSNP rs770258461, ClinGen allele CA2125158.